The following is an entry in ClinVar:

ClinVar aggregate classification (germline): Benign. Review status: criteria provided, multiple submitters, no conflicts (2 of 4 stars). 4 submissions from 4 submitters: Benign (3). 1 of the submissions does not count toward it. Last evaluated 2026-02-03.

Conditions:
LRRC56-related disorder. Also called: LRRC56-related condition.

Allele frequency attached by ClinVar (database versions not stated): ExAC 0.05568; gnomAD 0.05683 and 0.05689; gnomAD exomes 0.05292 and 0.06050; 1000 Genomes Project 30x 0.05434; 1000 Genomes Project 0.05531; TOPMed 0.05844; ESP Exome Variant Server 0.06227.
gnomAD v4.1: 93,073 of 1,549,432 alleles (6%); highest among the groups gnomAD compares: Middle Eastern, 7%; 2,944 homozygotes.

Submissions (4):

Labcorp Genetics (formerly Invitae), Labcorp
Classification: Benign. Last evaluated: 2026-02-03. Review status: criteria provided, single submitter. Criteria: Invitae Variant Classification Sherloc (09022015). Collection method: clinical testing. Allele origin: germline.

GeneDx
Classification: Benign. Last evaluated: 2021-05-04. Review status: criteria provided, single submitter. Criteria: GeneDx Variant Classification Process June 2021. Collection method: clinical testing. Allele origin: germline. Affected: yes.

Breakthrough Genomics
Classification: Benign. Review status: criteria provided, single submitter. Criteria: ACMG Guidelines, 2015. Collection method: not provided. Allele origin: germline. Inheritance: Autosomal recessive inheritance. Affected: yes.

PreventionGenetics, part of Exact Sciences
Classification: Benign for LRRC56-related condition. Last evaluated: 2019-03-05. Review status: no assertion criteria provided. Collection method: clinical testing. Allele origin: germline. Not counted in ClinVar's aggregate classification.
Comment: This variant is classified as benign based on ACMG/AMP sequence variant interpretation guidelines (Richards et al. 2015 PMID: 25741868, with internal and published modifications).

NM_198075.4(LRRC56):c.797-7C>T

Gene: LRRC56 (leucine rich repeat containing 56; plus strand). Cytogenetic location: 11p15.5.
Variant type: single nucleotide variant.
Coding change: c.797-7C>T on transcript NM_198075.4 (MANE Select); 7 bases into the intron before coding-DNA position 797, C replaced by T.
Molecular consequence: intron variant.
Genome position (GRCh38, 1-based): chr11:551,644, C>T. VCF-style: chr11-551644-C-T. GRCh37 (hg19) VCF-style: chr11-551644-C-T.
Other names: c.797-7C>T (NM_198075.3).
Identifiers: ClinVar variation 1250835 (VCV001250835.13), dbSNP rs113026126, ClinGen allele CA5779835.